The following is an entry in ClinVar:

NM_138409.4(MRAP2):c.485T>C (p.Met162Thr)

Gene: MRAP2 (melanocortin 2 receptor accessory protein 2; plus strand). Cytogenetic location: 6q14.2.
Variant type: single nucleotide variant.
Coding change: c.485T>C on transcript NM_138409.4 (MANE Select); coding-DNA position 485, T replaced by C.
Protein change: p.Met162Thr; replaces methionine 162 with threonine.
Molecular consequence: missense variant.
Genome position (GRCh38, 1-based): chr6:84,089,348, T>C. VCF-style: chr6-84089348-T-C. GRCh37 (hg19) VCF-style: chr6-84799067-T-C.
Other names: c.227T>C, p.Met76Thr (NM_001346541.2); c.485T>C, p.Met162Thr (NM_001346542.2, NM_001346544.2); c.320T>C, p.Met107Thr (NM_001346543.2); short protein forms M107T, M162T, M76T.
Identifiers: ClinVar variation 4986933 (VCV004986933.1).

ClinVar aggregate classification (germline): Uncertain significance (1 of 4 stars; one submission).

Conditions:
MRAP2-related disorder. Also called: MRAP2-related condition.

Submission:

PreventionGenetics, part of Exact Sciences
Classification: Uncertain significance for MRAP2-related condition. Last evaluated: 2024-11-06. Review status: criteria provided, single submitter. Criteria: ACMG Guidelines, 2015. Collection method: clinical testing. Allele origin: germline.
Comment: The MRAP2 c.485T>C variant is predicted to result in the amino acid substitution p.Met162Thr. This variant has been reported as a variant of uncertain significance in an individual with obesity and an individual with normal weight (Baron et al. 2019. PubMed ID: 31700171). This variant has not been reported in a large population database, indicating this variant is rare. At this time, the clinical significance of this variant is uncertain due to the absence of conclusive functional and genetic evidence.